The following is an entry in ClinVar:

ClinVar aggregate classification (germline): Pathogenic (1 of 4 stars; one submission).

Submission:

Labcorp Genetics (formerly Invitae), Labcorp
Classification: Pathogenic. Last evaluated: 2026-01-02. Review status: criteria provided, single submitter. Criteria: Invitae Variant Classification Sherloc (09022015). Collection method: clinical testing. Allele origin: germline.
Comment: This sequence change creates a premature translational stop signal (p.Trp497*) in the LTBP4 gene. It is expected to result in an absent or disrupted protein product. Loss-of-function variants in LTBP4 are known to be pathogenic (PMID: 19836010, 22829427). This variant is not present in population databases (gnomAD no frequency). This variant has not been reported in the literature in individuals affected with LTBP4-related conditions. For these reasons, this variant has been classified as Pathogenic.

Literature cited by the submitters: PubMed 19836010; PubMed 22829427.

NM_001042545.2(LTBP4):c.1401G>A (p.Trp467Ter)

Gene: LTBP4 (latent transforming growth factor beta binding protein 4; plus strand). Cytogenetic location: 19q13.2.
Variant type: single nucleotide variant.
Coding change: c.1401G>A on transcript NM_001042545.2 (MANE Select); coding-DNA position 1401, G replaced by A.
Protein change: p.Trp467Ter; replaces tryptophan 467 with a stop codon.
Molecular consequence: nonsense.
Genome position (GRCh38, 1-based): chr19:40,608,578, G>A. VCF-style: chr19-40608578-G-A. GRCh37 (hg19) VCF-style: chr19-41114484-G-A.
Other names: c.1602G>A, p.Trp534Ter (NM_001042544.1); c.1491G>A, p.Trp497Ter (NM_003573.2); short protein forms W534*, W467*, W497*.
Identifiers: ClinVar variation 4734591 (VCV004734591.1).
Genomic context (GRCh38, chr19:40,608,578, plus strand): 5'-TGAACCCCGGCCCGATCCCCGGCCCGGCCCTGAGCTTCCCTTGCCCAGCATCCCTGCCTG[G>A]ACTGGTCCTGAGATTCCTGAATCAGGTTTGCTAGAAAGAACTGAGGGCATTGGGCCTGCA-3'